The following is an entry in ClinVar:

NM_000038.6(APC):c.4200G>C (p.Ser1400=)

Gene: APC (APC regulator of Wnt signaling pathway; plus strand). Cytogenetic location: 5q22.2.
Variant type: single nucleotide variant.
Coding change: c.4200G>C on transcript NM_000038.6 (MANE Select); coding-DNA position 4200, G replaced by C.
Protein change: p.Ser1400=; no amino-acid change (serine 1400 retained).
Molecular consequence: synonymous variant.
Genome position (GRCh38, 1-based): chr5:112,839,794, G>C. VCF-style: chr5-112839794-G-C. GRCh37 (hg19) VCF-style: chr5-112175491-G-C.
Other names: c.4200G>C, p.Ser1400= (NM_001127510.3, NM_001354895.2); c.4146G>C, p.Ser1382= (NM_001127511.3); c.4254G>C, p.Ser1418= (NM_001354896.2); c.4230G>C, p.Ser1410= (NM_001354897.2); c.4125G>C, p.Ser1375= (NM_001354898.2); c.4116G>C, p.Ser1372= (NM_001354899.2); c.4077G>C, p.Ser1359= (NM_001354900.2); c.4023G>C, p.Ser1341= (NM_001354901.2); and 5 more.
Identifiers: ClinVar variation 184325 (VCV000184325.30), dbSNP rs367782881, ClinGen allele CA008943.
Genomic context (GRCh38, chr5:112,839,794, plus strand): 5'-CCCACTCATGTTTAGCAGATGTACTTCTGTCAGTTCACTTGATAGTTTTGAGAGTCGTTC[G>C]ATTGCCAGCTCCGTTCAGAGTGAACCATGCAGTGGAATGGTAAGTGGCATTATAAGCCCC-3'
Protein context (NP_000029.2, residues 1390-1410): VSSLDSFESR[Ser1400=]IASSVQSEPC

ClinVar aggregate classification (germline): Benign/Likely benign. Review status: criteria provided, multiple submitters, no conflicts (2 of 4 stars). 8 submissions from 8 submitters: Benign (1); Likely benign (7). Last evaluated 2026-01-27.

Conditions:
Classic or attenuated familial adenomatous polyposis. Identifiers: MedGen CN372698, MONDO:0021057.
Hereditary cancer-predisposing syndrome. Also called: Tumor predisposition; Neoplastic Syndromes, Hereditary; Hereditary Cancer Syndrome; Hereditary neoplastic syndrome. Identifiers: Orphanet 140162, MedGen C0027672, MeSH D009386, MONDO:0015356.
Familial adenomatous polyposis 1 (FAP1). Also called: POLYPOSIS, ADENOMATOUS INTESTINAL; FAMILIAL ADENOMATOUS POLYPOSIS 1, ATTENUATED. Identifiers: MedGen C2713442, MONDO:0021056, OMIM 175100. Disease mechanism: loss of function.

Allele frequency attached by ClinVar (database versions not stated): TOPMed 0.00001.
gnomAD v4.1: 4 of 1,613,944 alleles (0.00025%); highest among the groups gnomAD compares: Non-Finnish European, 0.00034%; no homozygotes.

Submissions (8):

Labcorp Genetics (formerly Invitae), Labcorp
Classification: Likely benign for Familial adenomatous polyposis 1. Last evaluated: 2026-01-27. Review status: criteria provided, single submitter. Criteria: Invitae Variant Classification Sherloc (09022015). Collection method: clinical testing. Allele origin: germline.

CeGaT Center for Human Genetics Tuebingen
Classification: Likely benign. Last evaluated: 2025-08-01. Review status: criteria provided, single submitter. Criteria: CeGaT Center For Human Genetics Tuebingen Variant Classification Criteria Version 2. Collection method: clinical testing. Allele origin: germline. Affected: yes. Observed: 1 variant allele.
Comment: APC: BP4, BP7

All of Us Research Program, National Institutes of Health
Classification: Likely benign for Classic or attenuated familial adenomatous polyposis. Last evaluated: 2024-07-20. Review status: criteria provided, single submitter. Criteria: ACMG Guidelines, 2015. Collection method: clinical testing. Allele origin: germline. Inheritance: Autosomal dominant inheritance. Observed: 2 variant alleles, 2 heterozygotes.
Comment: This study involves interpretation of variants in research participants for the purpose of population health screening. Participant phenotype was not available at the time of variant classification. Additional details can be found in publication PMID: 35346344, PMCID: PMC8962531

Myriad Genetics, Inc.
Classification: Benign for Familial adenomatous polyposis 1. Last evaluated: 2024-03-26. Review status: criteria provided, single submitter. Criteria: Myriad Autosomal Dominant, Autosomal Recessive and X-Linked Classification Criteria (2023). Collection method: clinical testing. Allele origin: unknown.
Comment: This variant is considered benign. This variant is a silent/synonymous amino acid change and it is not expected to impact splicing.

Quest Diagnostics Nichols Institute San Juan Capistrano
Classification: Likely benign. Last evaluated: 2023-08-04. Review status: criteria provided, single submitter. Criteria: Quest Diagnostics criteria. Collection method: clinical testing. Allele origin: unknown.

GeneDx
Classification: Likely benign. Last evaluated: 2019-12-03. Review status: criteria provided, single submitter. Criteria: GeneDx Variant Classification Process June 2021. Collection method: clinical testing. Allele origin: germline. Affected: yes.

Color Diagnostics, LLC DBA Color Health
Classification: Likely benign for Hereditary cancer-predisposing syndrome. Last evaluated: 2017-03-17. Review status: criteria provided, single submitter. Criteria: ACMG Guidelines, 2015. Collection method: clinical testing. Allele origin: germline.

Ambry Genetics
Classification: Likely benign for Hereditary cancer-predisposing syndrome. Last evaluated: 2015-08-25. Review status: criteria provided, single submitter. Criteria: Ambry Variant Classification Scheme 2023. Collection method: clinical testing. Allele origin: germline.